The following is an entry in ClinVar:

NM_000303.3(PMM2):c.*19G>A

Gene: PMM2 (phosphomannomutase 2; plus strand). Cytogenetic location: 16p13.2.
Variant type: single nucleotide variant.
Coding change: c.*19G>A on transcript NM_000303.3 (MANE Select); 19 bases downstream of the stop codon, G replaced by A.
Molecular consequence: 3 prime UTR variant.
Genome position (GRCh38, 1-based): chr16:8,847,844, G>A. VCF-style: chr16-8847844-G-A. GRCh37 (hg19) VCF-style: chr16-8941701-G-A.
Identifiers: ClinVar variation 381857 (VCV000381857.2), dbSNP rs375731567, ClinGen allele CA7894231.

ClinVar aggregate classification (germline): Likely benign. Review status: criteria provided, multiple submitters, no conflicts (2 of 4 stars). 2 submissions from 2 submitters: Likely benign (2). Last evaluated 2024-11-25.

Allele frequency attached by ClinVar (database versions not stated): gnomAD exomes 0.00014 and 0.00032; gnomAD 0.00020 and 0.00027; TOPMed 0.00025; ExAC 0.00036; ESP Exome Variant Server 0.00038; 1000 Genomes Project 0.00100; 1000 Genomes Project 30x 0.00109.

Submissions (2):

Blueprint Genetics
Classification: Likely benign. Last evaluated: 2024-11-25. Review status: criteria provided, single submitter. Criteria: ACMG Guidelines, 2015. Collection method: clinical testing. Allele origin: germline.

GeneDx
Classification: Likely benign. Last evaluated: 2016-02-11. Review status: criteria provided, single submitter. Criteria: GeneDx Variant Classification (06012015). Collection method: clinical testing. Allele origin: germline. Affected: yes.
Comment: This variant is considered likely benign or benign based on one or more of the following criteria: it is a conservative change, it occurs at a poorly conserved position in the protein, it is predicted to be benign by multiple in silico algorithms, and/or has population frequency not consistent with disease.